The following is an entry in ClinVar:

NM_000520.6(HEXA):c.289_290del (p.Val97fs)

Gene: HEXA (hexosaminidase subunit alpha; minus strand). Cytogenetic location: 15q23.
Variant type: Deletion.
Coding change: c.289_290del on transcript NM_000520.6 (MANE Select); coding-DNA positions 289 to 290, 2 bases deleted (GT; older notation c.289_290delGT).
Protein change: p.Val97fs; shifts the reading frame from valine 97.
Molecular consequence: frameshift variant. On other transcripts: non-coding transcript variant (1).
Genome position (GRCh38, 1-based): chr15:72,356,581-72,356,582, AC deleted on the plus strand (GT on the coding strand, the reverse complement: HEXA is on the minus strand); deleting any 2 consecutive bases within chr15:72,356,581-72,356,583 gives the same sequence; the c. name uses the placement nearest the transcript's 3' end. VCF-style (leftmost placement, unchanged base first): chr15-72356580-GAC-G. GRCh37 (hg19) VCF-style: chr15-72648921-GAC-G.
Other names: c.322_323del, p.Val108fs (NM_001318825.2); short protein forms V108fs, V97fs.
Identifiers: ClinVar variation 1075310 (VCV001075310.7), dbSNP rs2140329051, ClinGen allele CA2499223083.
Genomic context (GRCh38, chr15:72,356,580, plus strand): 5'-CTTACAATTCTCCACTGACTCCAAAGTAGGAAGCTGGTTACATCCAGGTGTGACTACAGA[GAC>G]AACCAACACATTCTTCTCCAGTGTATGCCGTTTCCCTAGGAAGACAGGGTAAGCTTGGTG-3'

ClinVar aggregate classification (germline): Pathogenic (1 of 4 stars; one submission).

Conditions:
Tay-Sachs disease (TSD). Also called: HEXA DEFICIENCY; HEXA Disorders; GM2 gangliosidosis, type 1; Hexosaminidase alpha-subunit deficiency (variant B); Sphingolipidosis, Tay-Sachs; Hexosaminidase A Deficiency. Identifiers: Orphanet 845, MedGen C0039373, MONDO:0010100, OMIM 272800.

Submission:

Labcorp Genetics (formerly Invitae), Labcorp
Classification: Pathogenic for Tay-Sachs disease. Last evaluated: 2020-03-28. Review status: criteria provided, single submitter. Criteria: Invitae Variant Classification Sherloc (09022015). Collection method: clinical testing. Allele origin: germline.
Comment: This variant has not been reported in the literature in individuals with HEXA-related conditions. For these reasons, this variant has been classified as Pathogenic. Loss-of-function variants in HEXA are known to be pathogenic (PMID: 1833974, 8490625). This variant is not present in population databases (ExAC no frequency). This sequence change creates a premature translational stop signal (p.Val97Leufs*8) in the HEXA gene. It is expected to result in an absent or disrupted protein product.

Literature cited by the submitters: PubMed 1833974; PubMed 8490625.